The following is an entry in ClinVar:

NM_025137.4(SPG11):c.2116A>T (p.Thr706Ser)

Gene: SPG11 (SPG11 vesicle trafficking associated, spatacsin; minus strand). Cytogenetic location: 15q21.1.
Variant type: single nucleotide variant.
Coding change: c.2116A>T on transcript NM_025137.4 (MANE Select); coding-DNA position 2116, A replaced by T.
Protein change: p.Thr706Ser; replaces threonine 706 with serine.
Molecular consequence: missense variant.
Genome position (GRCh38, 1-based): chr15:44,626,459, T>A on the plus strand (A>T on the coding strand, the complement: SPG11 is on the minus strand). VCF-style: chr15-44626459-T-A. GRCh37 (hg19) VCF-style: chr15-44918657-T-A.
Other names: c.2116A>T, p.Thr706Ser (NM_001160227.2, NM_001411132.1); short protein forms T706S.
Identifiers: ClinVar variation 1786178 (VCV001786178.2), dbSNP rs2505582423, ClinGen allele CA392233847.

ClinVar aggregate classification (germline): Uncertain significance (1 of 4 stars; one submission).

Conditions:
Inborn genetic diseases. Identifiers: MedGen C0950123, MeSH D030342.

Submission:

Ambry Genetics
Classification: Uncertain significance for Inborn genetic diseases. Last evaluated: 2021-04-29. Review status: criteria provided, single submitter. Criteria: Ambry Variant Classification Scheme 2023. Collection method: clinical testing. Allele origin: germline.
Comment: The p.T706S variant (also known as c.2116A>T), located in coding exon 11 of the SPG11 gene, results from an A to T substitution at nucleotide position 2116. The threonine at codon 706 is replaced by serine, an amino acid with similar properties. This amino acid position is not well conserved in available vertebrate species. In addition, this alteration is predicted to be tolerated by in silico analysis. Since supporting evidence is limited at this time, the clinical significance of this alteration remains unclear.